The following is an entry in ClinVar:

NM_000179.3(MSH6):c.250G>A (p.Ala84Thr)

Genes: MSH6 (mutS homolog 6; plus strand), LOC129933707 (ATAC-STARR-seq lymphoblastoid silent region 11468; plus strand). Cytogenetic location: 2p16.3.
Variant type: single nucleotide variant.
Coding change: c.250G>A on transcript NM_000179.3 (MANE Select); coding-DNA position 250, G replaced by A.
Protein change: p.Ala84Thr; replaces alanine 84 with threonine.
Molecular consequence: missense variant. On other transcripts: 5 prime UTR variant (1), intron variant (1).
Genome position (GRCh38, 1-based): chr2:47,783,483, G>A. VCF-style: chr2-47783483-G-A. GRCh37 (hg19) VCF-style: chr2-48010622-G-A.
Other names: c.-487G>A (NM_001281493.2); c.237+13G>A (NM_001281492.2); short protein forms A84T.
Identifiers: ClinVar variation 483769 (VCV000483769.15), dbSNP rs1553408435, ClinGen allele CA346735136.

ClinVar aggregate classification (germline): Uncertain significance. Review status: criteria provided, multiple submitters, no conflicts (2 of 4 stars). 2 submissions from 2 submitters: Uncertain significance (2). Last evaluated 2020-10-28.

Conditions:
Hereditary cancer-predisposing syndrome. Also called: Neoplastic Syndromes, Hereditary; Tumor predisposition; Hereditary Cancer Syndrome; Hereditary neoplastic syndrome. Identifiers: Orphanet 140162, MedGen C0027672, MeSH D009386, MONDO:0015356.
Hereditary nonpolyposis colorectal neoplasms. Identifiers: MedGen C0009405, MeSH D003123.

Allele frequency attached by ClinVar (database versions not stated): gnomAD exomes below 0.00001.
gnomAD v4.1: 1 of 1,431,574 alleles (0.00007%); highest among the groups gnomAD compares: Non-Finnish European, 0.000092%; no homozygotes.

Submissions (2):

Labcorp Genetics (formerly Invitae), Labcorp
Classification: Uncertain significance for Hereditary nonpolyposis colorectal neoplasms. Last evaluated: 2020-10-28. Review status: criteria provided, single submitter. Criteria: Invitae Variant Classification Sherloc (09022015). Collection method: clinical testing. Allele origin: germline.
Comment: This sequence change replaces alanine with threonine at codon 84 of the MSH6 protein (p.Ala84Thr). The alanine residue is weakly conserved and there is a small physicochemical difference between alanine and threonine. The frequency data for this variant in the population databases is considered unreliable, as metrics indicate insufficient coverage at this position in the ExAC database. This variant has not been reported in the literature in individuals with MSH6-related conditions. ClinVar contains an entry for this variant (Variation ID: 483769). Algorithms developed to predict the effect of missense changes on protein structure and function (SIFT, PolyPhen-2, Align-GVGD) all suggest that this variant is likely to be tolerated, but these predictions have not been confirmed by published functional studies and their clinical significance is uncertain. In summary, the available evidence is currently insufficient to determine the role of this variant in disease. Therefore, it has been classified as a Variant of Uncertain Significance.

Ambry Genetics
Classification: Uncertain significance for Hereditary cancer-predisposing syndrome. Last evaluated: 2019-12-26. Review status: criteria provided, single submitter. Criteria: Ambry Variant Classification Scheme 2023. Collection method: clinical testing. Allele origin: germline.
Comment: The p.A84T variant (also known as c.250G>A), located in coding exon 1 of the MSH6 gene, results from a G to A substitution at nucleotide position 250. The alanine at codon 84 is replaced by threonine, an amino acid with similar properties. This amino acid position is not well conserved in available vertebrate species. In addition, this alteration is predicted to be tolerated by in silico analysis. Since supporting evidence is limited at this time, the clinical significance of this alteration remains unclear.